The following is an entry in ClinVar:

ClinVar aggregate classification (germline): Uncertain significance (1 of 4 stars; one submission).

Submission:

GeneDx
Classification: Uncertain significance. Last evaluated: 2022-09-16. Review status: criteria provided, single submitter. Criteria: GeneDx Variant Classification Process June 2021. Collection method: clinical testing. Allele origin: germline. Affected: yes.
Comment: Not observed at significant frequency in large population cohorts (gnomAD); In silico analysis supports that this missense variant has a deleterious effect on protein structure/function; Has not been previously published as pathogenic or benign to our knowledge

NM_005120.3(MED12):c.5642C>G (p.Thr1881Ser)

Gene: MED12 (mediator complex subunit 12; plus strand). Cytogenetic location: Xq13.1.
Variant type: single nucleotide variant.
Coding change: c.5642C>G on transcript NM_005120.3 (MANE Select); coding-DNA position 5642, C replaced by G.
Protein change: p.Thr1881Ser; replaces threonine 1881 with serine.
Molecular consequence: missense variant.
Genome position (GRCh38, 1-based): chrX:71,137,277, C>G. VCF-style: chrX-71137277-C-G. GRCh37 (hg19) VCF-style: chrX-70357127-C-G.
Other names: short protein forms T1881S.
Identifiers: ClinVar variation 2444748 (VCV002444748.1), dbSNP rs2519714068, ClinGen allele CA413536933.